The following is an entry in ClinVar:

ClinVar aggregate classification (germline): Benign/Likely benign. Review status: criteria provided, multiple submitters, no conflicts (2 of 4 stars). 8 submissions from 8 submitters: Benign (4); Likely benign (4). Last evaluated 2026-09-01.

Conditions:
Cerebellar ataxia, impaired intellectual development, and dysequilibrium syndrome 1. Also called: VLDLR Cerebellar Hypoplasia; Cerebellar hypoplasia and mental retardation with or without quadrupedal locomotion 1; CEREBELLAR ATAXIA AND MENTAL RETARDATION WITH OR WITHOUT QUADRUPEDAL LOCOMOTION 1; CEREBELLAR ATAXIA, CONGENITAL, AND MENTAL RETARDATION, AUTOSOMAL RECESSIVE; Cerebellar ataxia, mental retardation, and dysequilibrium syndrome 1; Cerebellar ataxia, intellectual disability, and dysequilibrium syndrome 1. Identifiers: Orphanet 1766, MedGen C4551552, MONDO:0024542, OMIM 224050.

Allele frequency attached by ClinVar (database versions not stated): gnomAD 0.00115 and 0.00134; TOPMed 0.00131; ESP Exome Variant Server 0.00146; gnomAD exomes 0.00197 and 0.00173; ExAC 0.00199; 1000 Genomes Project 30x 0.00234; 1000 Genomes Project 0.00240.
gnomAD v4.1: 2,766 of 1,614,184 alleles (0.17%); highest among the groups gnomAD compares: South Asian, 0.72%; 13 homozygotes.

Submissions (8):

CeGaT Center for Human Genetics Tuebingen
Classification: Likely benign. Last evaluated: 2026-09-01. Review status: criteria provided, single submitter. Criteria: CeGaT Center For Human Genetics Tuebingen Variant Classification Criteria Version 2. Collection method: clinical testing. Allele origin: germline. Affected: yes. Observed: 12 variant alleles.
Comment: VLDLR: BS2

Labcorp Genetics (formerly Invitae), Labcorp
Classification: Benign. Last evaluated: 2026-01-26. Review status: criteria provided, single submitter. Criteria: Invitae Variant Classification Sherloc (09022015). Collection method: clinical testing. Allele origin: germline.

Blueprint Genetics
Classification: Likely benign. Last evaluated: 2024-11-17. Review status: criteria provided, single submitter. Criteria: ACMG Guidelines, 2015. Collection method: clinical testing. Allele origin: germline.

Mayo Clinic Laboratories, Mayo Clinic
Classification: Benign. Last evaluated: 2023-05-23. Review status: criteria provided, single submitter. Criteria: ACMG Guidelines, 2015. Collection method: clinical testing. Allele origin: germline. Observed: 5 variant alleles.
Comment: BS1, BS2

GeneDx
Classification: Benign. Last evaluated: 2020-04-01. Review status: criteria provided, single submitter. Criteria: GeneDx Variant Classification Process June 2021. Collection method: clinical testing. Allele origin: germline. Affected: yes.
Comment: This variant is associated with the following publications: (PMID: 24036952)

Illumina Laboratory Services, Illumina
Classification: Likely benign for Cerebellar ataxia, impaired intellectual development, and dysequilibrium syndrome 1. Last evaluated: 2018-01-13. Review status: criteria provided, single submitter. Criteria: ICSL Variant Classification Criteria 13 December 2019. Collection method: clinical testing. Allele origin: germline.
Comment: This variant was observed in the ICSL laboratory as part of a predisposition screen in an ostensibly healthy population. It had not been previously curated by ICSL or reported in the Human Gene Mutation Database (HGMD: prior to June 1st, 2018), and was therefore a candidate for classification through an automated scoring system. Utilizing variant allele frequency, disease prevalence and penetrance estimates, and inheritance mode, an automated score was calculated to assess if this variant is too frequent to cause the disease. Based on the score and internal cut-off values, a variant classified as likely benign is not then subjected to further curation. The score for this variant resulted in a classification of likely benign for this disease.

Eurofins Ntd Llc (ga)
Classification: Benign. Last evaluated: 2017-06-07. Review status: criteria provided, single submitter. Criteria: EGL Classification Definitions 2015. Collection method: clinical testing. Allele origin: germline. Observed: 1 variant allele, 1 heterozygote.

Genetic Services Laboratory, University of Chicago
Classification: Likely benign. Last evaluated: 2017-03-08. Review status: criteria provided, single submitter. Criteria: ACMG Guidelines, 2015. Collection method: clinical testing. Allele origin: germline. Affected: no.

NM_003383.5(VLDLR):c.242A>G (p.Asn81Ser)

Gene: VLDLR (very low density lipoprotein receptor; plus strand). Cytogenetic location: 9p24.2.
Variant type: single nucleotide variant.
Coding change: c.242A>G on transcript NM_003383.5 (MANE Select); coding-DNA position 242, A replaced by G.
Protein change: p.Asn81Ser; replaces asparagine 81 with serine.
Molecular consequence: missense variant.
Genome position (GRCh38, 1-based): chr9:2,639,898, A>G. VCF-style: chr9-2639898-A-G. GRCh37 (hg19) VCF-style: chr9-2639898-A-G.
Other names: p.Asn81Ser; c.242A>G, p.Asn81Ser (NM_001018056.3, NM_001322225.2, NM_001322226.2); short protein forms N81S.
Identifiers: ClinVar variation 431884 (VCV000431884.67), dbSNP rs140526335, ClinGen allele CA4964471.
Genomic context (GRCh38, chr9:2,639,898, plus strand): 5'-CCTTCAAATAAACGTTTGTAGTAAAGAAGACGTGTGCTGAATCTGACTTCGTGTGCAACA[A>G]TGGCCAGTGTGTTCCCAGCCGATGGAAGTGTGATGGAGATCCTGACTGCGAAGATGGTTC-3'
Protein context (NP_003374.3, residues 71-91): TCAESDFVCN[Asn81Ser]GQCVPSRWKC